The following is an entry in ClinVar:

NM_014671.3(UBE3C):c.2487C>T (p.Leu829=)

Gene: UBE3C (ubiquitin protein ligase E3C; plus strand). Cytogenetic location: 7q36.3.
Variant type: single nucleotide variant.
Coding change: c.2487C>T on transcript NM_014671.3 (MANE Select); coding-DNA position 2487, C replaced by T.
Protein change: p.Leu829=; no amino-acid change (leucine 829 retained).
Molecular consequence: synonymous variant.
Genome position (GRCh38, 1-based): chr7:157,248,373, C>T. VCF-style: chr7-157248373-C-T. GRCh37 (hg19) VCF-style: chr7-157041067-C-T.
Identifiers: ClinVar variation 5039336 (VCV005039336.1).

ClinVar aggregate classification (germline): Likely benign (1 of 4 stars; one submission).

gnomAD v4.1: 21 of 1,613,114 alleles (0.0013%); highest among the groups gnomAD compares: South Asian, 0.021%; no homozygotes.

Submission:

CeGaT Center for Human Genetics Tuebingen
Classification: Likely benign. Last evaluated: 2026-08-01. Review status: criteria provided, single submitter. Criteria: CeGaT Center For Human Genetics Tuebingen Variant Classification Criteria Version 2. Collection method: clinical testing. Allele origin: germline. Affected: yes. Observed: 1 variant allele.
Comment: UBE3C: BP4, BP7